The following is an entry in ClinVar:

NM_001101.5(ACTB):c.275A>G (p.Asn92Ser)

Gene: ACTB (actin beta; minus strand). Cytogenetic location: 7p22.1.
Variant type: single nucleotide variant.
Coding change: c.275A>G on transcript NM_001101.5 (MANE Select); coding-DNA position 275, A replaced by G.
Protein change: p.Asn92Ser; replaces asparagine 92 with serine.
Molecular consequence: missense variant.
Genome position (GRCh38, 1-based): chr7:5,529,249, T>C on the plus strand (A>G on the coding strand, the complement: ACTB is on the minus strand). VCF-style: chr7-5529249-T-C. GRCh37 (hg19) VCF-style: chr7-5568880-T-C.
Other names: short protein forms N92S.
Identifiers: ClinVar variation 982901 (VCV000982901.2), dbSNP rs1784830795, ClinGen allele CA366704492.

ClinVar aggregate classification (germline): Uncertain significance. Review status: criteria provided, single submitter (1 of 4 stars). 2 submissions from 2 submitters: Uncertain significance (1). 1 of the submissions does not count toward it. Last evaluated 2019-01-01.

Conditions:
Baraitser-Winter syndrome 1 (BRWS1). Also called: BARAITSER-WINTER SYNDROME 1, ATYPICAL; PACHYGYRIA, MENTAL RETARDATION, EPILEPSY, AND CHARACTERISTIC FACIES; MENTAL RETARDATION WITH EPILEPSY AND CHARACTERISTIC FACIES; Cerebrofrontofacial syndrome. Identifiers: Orphanet 2649, Orphanet 2995, MedGen C1855722, MONDO:0009470, OMIM 243310.
ACTB-related disorder. Also called: ACTB-related condition; ACTB-related disorders.

Submissions (2):

Institute of Human Genetics, University of Leipzig Medical Center
Classification: Uncertain significance for Baraitser-Winter syndrome 1. Last evaluated: 2019-01-01. Review status: criteria provided, single submitter. Criteria: ACMG Guidelines, 2015. Collection method: clinical testing. Allele origin: unknown. Affected: yes.

PreventionGenetics, part of Exact Sciences
Classification: Uncertain significance for ACTB-related condition. Last evaluated: 2024-05-08. Review status: no assertion criteria provided. Collection method: clinical testing. Allele origin: germline. Not counted in ClinVar's aggregate classification.
Comment: The ACTB c.275A>G variant is predicted to result in the amino acid substitution p.Asn92Ser. To our knowledge, this variant has not been reported in the literature or in a large population database, indicating this variant is rare. At this time, the clinical significance of this variant is uncertain due to the absence of conclusive functional and genetic evidence.